The following is an entry in ClinVar:

NM_001077418.3(TMEM231):c.37C>T (p.Arg13Cys)

Gene: TMEM231 (transmembrane protein 231; minus strand). Cytogenetic location: 16q23.1.
Variant type: single nucleotide variant.
Coding change: c.37C>T on transcript NM_001077418.3 (MANE Select); coding-DNA position 37, C replaced by T.
Protein change: p.Arg13Cys; replaces arginine 13 with cysteine.
Molecular consequence: missense variant. On other transcripts: synonymous variant (1), non-coding transcript variant (1).
Genome position (GRCh38, 1-based): chr16:75,556,173, G>A on the plus strand (C>T on the coding strand, the complement: TMEM231 is on the minus strand). VCF-style: chr16-75556173-G-A. GRCh37 (hg19) VCF-style: chr16-75590071-G-A.
Other names: c.99C>T, p.Ser33= (NM_001077416.2); short protein forms R13C.
Identifiers: ClinVar variation 1652526 (VCV001652526.8), dbSNP rs775329522, ClinGen allele CA8176313.
Genomic context (GRCh38, chr16:75,556,173, plus strand): 5'-GCGCAGCGGCCAGCAGCAGGAACAGCGCGGCTTTGGAGCAGAGCCCCGCGCGGTAACTGC[G>A]CTCGACCGGGTGAGAGAAGAGCTCATAGAGCGCCATGAGCACCGCTCGCAGGCACTCCGC-3'
Protein context (NP_001070886.1, residues 3-23): LYELFSHPVE[Arg13Cys]SYRAGLCSKA

ClinVar aggregate classification (germline): Conflicting classifications of pathogenicity. Review status: criteria provided, conflicting classifications (1 of 4 stars). 2 submissions from 2 submitters: Uncertain significance (1); Likely benign (1). Last evaluated 2025-05-27.

Conditions:
Joubert syndrome 20 (JBTS20). Identifiers: Orphanet 475, MedGen C3554235, MONDO:0013994, OMIM 614970.
Meckel syndrome, type 11 (MKS11). Identifiers: Orphanet 564, MedGen C3809352, MONDO:0014164, OMIM 615397.

Allele frequency attached by ClinVar (database versions not stated): TOPMed below 0.00001; ExAC 0.00003.
gnomAD v4.1: 2 of 1,535,356 alleles (0.00013%); highest among the groups gnomAD compares: Admixed American, 0.002%; no homozygotes.

Submissions (2):

Labcorp Genetics (formerly Invitae), Labcorp
Classification: Likely benign for Joubert syndrome 20; Meckel syndrome, type 11. Last evaluated: 2025-05-27. Review status: criteria provided, single submitter. Criteria: Invitae Variant Classification Sherloc (09022015). Collection method: clinical testing. Allele origin: germline.

GeneDx
Classification: Uncertain significance. Last evaluated: 2022-02-01. Review status: criteria provided, single submitter. Criteria: GeneDx Variant Classification Process June 2021. Collection method: clinical testing. Allele origin: germline. Affected: yes.
Comment: Not observed at significant frequency in large population cohorts (gnomAD); In silico analysis supports that this variant does not alter splicing; Has not been previously published as pathogenic or benign to our knowledge